The following is an entry in ClinVar:

ClinVar aggregate classification (germline): Likely benign (0 of 4 stars; one submission).

Conditions:
ATG2B-related disorder. Also called: ATG2B-related condition.

Allele frequency attached by ClinVar (database versions not stated): ESP Exome Variant Server 0.00008; TOPMed 0.00023; gnomAD 0.00047; ExAC 0.00064; 1000 Genomes Project 30x 0.00203; 1000 Genomes Project 0.00240.
gnomAD v4.1: 1,033 of 1,613,080 alleles (0.064%); highest among the groups gnomAD compares: East Asian, 1.9%; 20 homozygotes.

Submission:

PreventionGenetics, part of Exact Sciences
Classification: Likely benign for ATG2B-related condition. Last evaluated: 2021-08-09. Review status: no assertion criteria provided. Collection method: clinical testing. Allele origin: germline.
Comment: This variant is classified as likely benign based on ACMG/AMP sequence variant interpretation guidelines (Richards et al. 2015 PMID: 25741868, with internal and published modifications).

NM_018036.7(ATG2B):c.3266A>G (p.Asn1089Ser)

Gene: ATG2B (autophagy related 2B; minus strand). Cytogenetic location: 14q32.2.
Variant type: single nucleotide variant.
Coding change: c.3266A>G on transcript NM_018036.7 (MANE Select); coding-DNA position 3266, A replaced by G.
Protein change: p.Asn1089Ser; replaces asparagine 1089 with serine.
Molecular consequence: missense variant.
Genome position (GRCh38, 1-based): chr14:96,316,628, T>C on the plus strand (A>G on the coding strand, the complement: ATG2B is on the minus strand). VCF-style: chr14-96316628-T-C. GRCh37 (hg19) VCF-style: chr14-96782965-T-C.
Other names: short protein forms N1089S.
Identifiers: ClinVar variation 3051316 (VCV003051316.2), dbSNP rs79425071, ClinGen allele CA7336281.